The following is an entry in ClinVar:

NM_024675.4(PALB2):c.901_907del (p.Asp301fs)

Gene: PALB2 (partner and localizer of BRCA2; minus strand). Cytogenetic location: 16p12.2.
Variant type: Deletion.
Coding change: c.901_907del on transcript NM_024675.4 (MANE Select); coding-DNA positions 901 to 907, 7 bases deleted (GATAACC; older notation c.901_907delGATAACC).
Protein change: p.Asp301fs; shifts the reading frame from aspartic acid 301.
Molecular consequence: frameshift variant.
Genome position (GRCh38, 1-based): chr16:23,635,639-23,635,645, GGTTATC deleted on the plus strand (GATAACC on the coding strand, the reverse complement: PALB2 is on the minus strand). VCF-style (leftmost placement, unchanged base first): chr16-23635638-AGGTTATC-A. GRCh37 (hg19) VCF-style: chr16-23646959-AGGTTATC-A.
Other names: NM_024675.3:c.901_907del; c.901_907delGATAACC (NM_024675.3); short protein forms D301fs.
Identifiers: ClinVar variation 484224 (VCV000484224.19), dbSNP rs1555461551, ClinGen allele CA658658436.
Genomic context (GRCh38, chr16:23,635,638, plus strand): 5'-GCCTCTAAATTAGAACTTGTGGGCAGTTGGCCACTTTTACTTATAGCTTTATTTACAAGG[AGGTTATC>A]TGTAGAGACAGTCATTTTTTTGCCTTGTGCCTCCAAACTTACAGGTGAAGTAAATCTAAT-3'

ClinVar aggregate classification (germline): Pathogenic/Likely pathogenic. Review status: criteria provided, multiple submitters, no conflicts (2 of 4 stars). 6 submissions from 6 submitters: Pathogenic (4); Likely pathogenic (1). 1 of the submissions does not count toward it. Last evaluated 2025-06-13.

Conditions:
Familial cancer of breast. Also called: BREAST CANCER, FAMILIAL; Hereditary breast cancer; hereditary breast carcinoma. Identifiers: Orphanet 227535, MedGen C0346153, MONDO:0016419, OMIM 114480. Disease mechanism: loss of function.
Hereditary cancer-predisposing syndrome. Also called: Neoplastic Syndromes, Hereditary; Tumor predisposition; Hereditary Cancer Syndrome; Hereditary neoplastic syndrome. Identifiers: Orphanet 140162, MedGen C0027672, MeSH D009386, MONDO:0015356.

Submissions (6):

Quest Diagnostics Nichols Institute San Juan Capistrano
Classification: Pathogenic. Last evaluated: 2025-06-13. Review status: criteria provided, single submitter. Criteria: Quest Diagnostics criteria. Collection method: clinical testing. Allele origin: unknown.
Comment: The PALB2 c.901_907del (p.Asp301Serfs*3) variant alters the translational reading frame of the PALB2 mRNA and causes the premature termination of PALB2 protein synthesis. This variant has been reported in the published literature in an individual affected with breast cancer (PMID: 24136930 (2013)). This variant has not been reported in large, multi-ethnic general populations (Genome Aggregation Database). Based on the available information, this variant is classified as pathogenic.

Myriad Genetics, Inc.
Classification: Pathogenic for Familial cancer of breast. Last evaluated: 2023-09-07. Review status: criteria provided, single submitter. Criteria: Myriad Autosomal Dominant, Autosomal Recessive and X-Linked Classification Criteria (2023). Collection method: clinical testing. Allele origin: unknown.
Comment: This variant is considered pathogenic. This variant creates a frameshift predicted to result in premature protein truncation.

Ambry Genetics
Classification: Pathogenic for Hereditary cancer-predisposing syndrome. Last evaluated: 2023-03-03. Review status: criteria provided, single submitter. Criteria: Ambry Variant Classification Scheme 2023. Collection method: clinical testing. Allele origin: germline.
Comment: The c.901_907delGATAACC pathogenic mutation, located in coding exon 4 of the PALB2 gene, results from a deletion of 7 nucleotides at nucleotide positions 901 to 907, causing a translational frameshift with a predicted alternate stop codon (p.D301Sfs*3). This alteration was reported in an individual diagnosed with breast cancer (Janatova M et al. Cancer Epidemiol. Biomarkers Prev., 2013 Dec;22:2323-32). In addition to the clinical data presented in the literature, this alteration is expected to result in loss of function by premature protein truncation or nonsense-mediated mRNA decay. As such, this alteration is interpreted as a disease-causing mutation.

Labcorp Genetics (formerly Invitae), Labcorp
Classification: Pathogenic for Familial cancer of breast. Last evaluated: 2022-07-06. Review status: criteria provided, single submitter. Criteria: Invitae Variant Classification Sherloc (09022015). Collection method: clinical testing. Allele origin: germline.
Comment: For these reasons, this variant has been classified as Pathogenic. ClinVar contains an entry for this variant (Variation ID: 484224). This premature translational stop signal has been observed in individual(s) with breast cancer (PMID: 24136930). This variant is not present in population databases (gnomAD no frequency). This sequence change creates a premature translational stop signal (p.Asp301Serfs*3) in the PALB2 gene. It is expected to result in an absent or disrupted protein product. Loss-of-function variants in PALB2 are known to be pathogenic (PMID: 17200668, 17200671, 17200672, 24136930, 25099575).

GeneDx
Classification: Likely pathogenic. Last evaluated: 2017-08-08. Review status: criteria provided, single submitter. Criteria: GeneDx Variant Classification (06012015). Collection method: clinical testing. Allele origin: germline. Affected: yes.
Comment: This deletion of seven nucleotides in PALB2 is denoted c.901_907delGATAACC at the cDNA level and p.Asp301SerfsX3 (D301SfsX3) at the protein level. The normal sequence, with the bases that are deleted in brackets, is TACA[delGATAACC]TCCT. The deletion causes a frameshift which changes an Aspartic Acid to a Serine at codon 301, and creates a premature stop codon at position 3 of the new reading frame. This variant is predicted to cause loss of normal protein function through either protein truncation or nonsense-mediated mRNA decay. PALB2 c.901_907delGATAACC has been reported in at least one individual with male breast cancer (Janatova 2013). Based on the currently available information, we consider this deletion to be a likely pathogenic variant.

Leiden Open Variation Database
Classification: Pathogenic for Familial cancer of breast. Last evaluated: 2019-05-13. Review status: no assertion criteria provided. Collection method: curation. Allele origin: germline. Affected: yes. Not counted in ClinVar's aggregate classification.
Comment: Curators: Marc Tischkowitz, Arleen D. Auerbach. Submitter to LOVD: Marc Tischkowitz.

Literature cited by the submitters: PubMed 24136930 (cited by 4 submitters); PubMed 29649263 (cited by Quest Diagnostics Nichols Institute San Juan Capistrano); PubMed 17200668 (cited by Labcorp Genetics (formerly Invitae), Labcorp); PubMed 17200671 (cited by Labcorp Genetics (formerly Invitae), Labcorp); PubMed 17200672 (cited by Labcorp Genetics (formerly Invitae), Labcorp); PubMed 25099575 (cited by Labcorp Genetics (formerly Invitae), Labcorp).